The following is an entry in ClinVar:

ClinVar aggregate classification (germline): Uncertain significance. Review status: criteria provided, multiple submitters, no conflicts (2 of 4 stars). 2 submissions from 2 submitters: Uncertain significance (2). Last evaluated 2025-08-02.

Conditions:
Early-infantile DEE. Also called: Early infantile epileptic encephalopathy with suppression bursts; Ohtahara syndrome; Early infantile epileptic encephalopathy. Identifiers: Orphanet 1934, MedGen C0393706, MONDO:0800491.

Submissions (2):

Labcorp Genetics (formerly Invitae), Labcorp
Classification: Uncertain significance for Early-infantile DEE. Last evaluated: 2025-08-02. Review status: criteria provided, single submitter. Criteria: Invitae Variant Classification Sherloc (09022015). Collection method: clinical testing. Allele origin: germline.
Comment: This variant, c.2097_2099del, results in the deletion of 1 amino acid(s) of the KCNQ2 protein (p.Lys699del), but otherwise preserves the integrity of the reading frame. This variant is not present in population databases (gnomAD no frequency). This variant has not been reported in the literature in individuals affected with KCNQ2-related conditions. ClinVar contains an entry for this variant (Variation ID: 961112). Experimental studies and prediction algorithms are not available or were not evaluated, and the functional significance of this variant is currently unknown. In summary, the available evidence is currently insufficient to determine the role of this variant in disease. Therefore, it has been classified as a Variant of Uncertain Significance.

Blueprint Genetics
Classification: Uncertain significance. Last evaluated: 2023-09-04. Review status: criteria provided, single submitter. Criteria: ACMG Guidelines, 2015. Collection method: clinical testing. Allele origin: germline.

NM_172107.4(KCNQ2):c.2094GAA[1] (p.Lys699del)

Gene: KCNQ2 (potassium voltage-gated channel subfamily Q member 2; minus strand). Cytogenetic location: 20q13.33.
Variant type: Microsatellite.
Coding change: c.2094GAA[1] on transcript NM_172107.4 (MANE Select); one copy of the 3-base unit GAA starting at c.2094; the reference has two copies in a row; one copy, 3 bases deleted.
Protein change: p.Lys699del; deletes lysine 699.
Molecular consequence: inframe deletion.
Genome position (GRCh38, 1-based): chr20:63,407,164-63,407,166, TTC deleted on the plus strand (GAA on the coding strand, the reverse complement: KCNQ2 is on the minus strand); deleting any 3 consecutive bases within chr20:63,407,164-63,407,170 gives the same sequence; the position shown is the placement nearest the transcript's 3' end. VCF-style (leftmost placement, unchanged base first): chr20-63407163-GTTC-G. GRCh37 (hg19) VCF-style: chr20-62038516-GTTC-G.
Other names: c.2148GAA[1], p.Lys717del (NM_001382235.1); c.2010GAA[1], p.Lys671del (NM_004518.6); c.2040GAA[1], p.Lys681del (NM_172106.3); c.2001GAA[1], p.Lys668del (NM_172108.5); short protein forms K668del, K699del, K671del, K681del, K717del.
Identifiers: ClinVar variation 961112 (VCV000961112.9), dbSNP rs777593960, ClinGen allele CA9958154.